The following is an entry in ClinVar:

NM_001001548.3(CD36):c.1200-7_1208del

Gene: CD36 (CD36 molecule (CD36 blood group); plus strand). Cytogenetic location: 7q21.11.
Variant type: Deletion.
Coding change: c.1200-7_1208del on transcript NM_001001548.3 (MANE Select); 7 bases into the intron before coding-DNA position 1200 through coding-DNA position 1208, 16 bases deleted (ATTACAGAGTATTAAA).
Molecular consequence: splice acceptor variant.
Genome position (GRCh38, 1-based): chr7:80,673,348-80,673,363, ATTACAGAGTATTAAA deleted. VCF-style (leftmost placement, unchanged base first): chr7-80673347-TATTACAGAGTATTAAA-T. GRCh37 (hg19) VCF-style: chr7-80302663-TATTACAGAGTATTAAA-T.
Other names: c.1200-7_1208del (NM_001371075.1, NM_001001547.3, NM_001371074.1 and 5 more transcripts); c.735-7_743del (NM_001371081.1, NM_001371080.1); c.972-7_980del (NM_001289911.2); c.1098-7_1106del (NM_001371079.1); c.1020-7_1028del (NM_001289909.1); c.1083-7_1091del (NM_001289908.1).
Identifiers: ClinVar variation 2630063 (VCV002630063.1), dbSNP rs775734577, ClinGen allele CA4315719.
Genomic context (GRCh38, chr7:80,673,347, plus strand): 5'-TATTTTAAAGTTTGTTATATATAAATATTAGTTTATATGTTCATAATTATTTTCAACGTA[TATTACAGAGTATTAAA>T]GAATCTGAAGAGGAACTATATTGTGCCTATTCTTTGGCTTAATGAGGTTTGTATTTGCAG-3'

ClinVar aggregate classification (germline): Likely pathogenic (1 of 4 stars; one submission).

Conditions:
CD36-related disorder. Also called: CD36-related condition; CD36-related disorders.

Allele frequency attached by ClinVar (database versions not stated): gnomAD exomes 0.00001; ExAC 0.00002; gnomAD 0.00004; TOPMed 0.00004.

Submission:

PreventionGenetics, part of Exact Sciences
Classification: Likely pathogenic for CD36-related condition. Last evaluated: 2023-01-29. Review status: criteria provided, single submitter. Criteria: ACMG Guidelines, 2015. Collection method: clinical testing. Allele origin: germline.
Comment: The CD36 c.1200-7_1208del16 variant is predicted to result in a deletion affecting a canonical splice site. This variant is predicted to disrupt a consensus splice site and alter splicing ( Alamut Visual Plus v.1.6.1). To our knowledge, this variant has not been reported in the literature; however, other variants that disrupt this consensus site have been documented in patients with CD36-related disorders (Case 43 in Tanaka et al. 2001. PubMed ID: 11352982). This variant is reported in 0.016% of alleles in individuals of African descent in gnomAD. This variant is interpreted as likely pathogenic.